The following is an entry in ClinVar:

ClinVar aggregate classification (germline): Uncertain significance (1 of 4 stars; one submission).

gnomAD v4.1: 3 of 1,614,080 alleles (0.00019%); highest among the groups gnomAD compares: African/African-American, 0.0027%; no homozygotes.

Submission:

Labcorp Genetics (formerly Invitae), Labcorp
Classification: Uncertain significance. Last evaluated: 2025-04-20. Review status: criteria provided, single submitter. Criteria: Invitae Variant Classification Sherloc (09022015). Collection method: clinical testing. Allele origin: germline.
Comment: This sequence change replaces glycine, which is neutral and non-polar, with arginine, which is basic and polar, at codon 338 of the RNF31 protein (p.Gly338Arg). This variant is not present in population databases (gnomAD no frequency). This variant has not been reported in the literature in individuals affected with RNF31-related conditions. An algorithm developed to predict the effect of missense changes on protein structure and function (PolyPhen-2) suggests that this variant is likely to be tolerated. In summary, the available evidence is currently insufficient to determine the role of this variant in disease. Therefore, it has been classified as a Variant of Uncertain Significance.

NM_017999.5(RNF31):c.1012G>C (p.Gly338Arg)

Gene: RNF31 (ring finger protein 31; plus strand). Cytogenetic location: 14q12.
Variant type: single nucleotide variant.
Coding change: c.1012G>C on transcript NM_017999.5 (MANE Select); coding-DNA position 1012, G replaced by C.
Protein change: p.Gly338Arg; replaces glycine 338 with arginine.
Molecular consequence: missense variant.
Genome position (GRCh38, 1-based): chr14:24,150,263, G>C. VCF-style: chr14-24150263-G-C. GRCh37 (hg19) VCF-style: chr14-24619472-G-C.
Other names: c.559G>C, p.Gly187Arg (NM_001310332.2); short protein forms G187R, G338R.
Identifiers: ClinVar variation 4762674 (VCV004762674.1).